The following is an entry in ClinVar:

NM_001130144.3(LTBP3):c.1063+1G>T

Gene: LTBP3 (latent transforming growth factor beta binding protein 3; minus strand). Cytogenetic location: 11q13.1.
Variant type: single nucleotide variant.
Coding change: c.1063+1G>T on transcript NM_001130144.3 (MANE Select); the canonical splice donor site of the intron after coding-DNA position 1063, G replaced by T.
Molecular consequence: splice donor variant.
Genome position (GRCh38, 1-based): chr11:65,553,163, C>A on the plus strand (G>T on the coding strand, the complement: LTBP3 is on the minus strand). VCF-style: chr11-65553163-C-A. GRCh37 (hg19) VCF-style: chr11-65320634-C-A.
Other names: c.712+1G>T (NM_001164266.1); c.1063+1G>T (NM_021070.4).
Identifiers: ClinVar variation 2053094 (VCV002053094.6), dbSNP rs766900840, ClinGen allele CA6101092.

ClinVar aggregate classification (germline): Likely pathogenic. Review status: criteria provided, multiple submitters, no conflicts (2 of 4 stars). 2 submissions from 2 submitters: Likely pathogenic (2). Last evaluated 2023-02-17.

Conditions:
LTBP3-related disorder. Also called: LTBP3-related condition.
Brachyolmia-amelogenesis imperfecta syndrome. Also called: Dental anomalies and short stature; Tooth agenesis, selective, 6; PLATYSPONDYLY WITH AMELOGENESIS IMPERFECTA. Identifiers: Orphanet 2899, MedGen C1832594, MONDO:0011018, OMIM 601216. Disease mechanism: loss of function.

Allele frequency attached by ClinVar (database versions not stated): ExAC 0.00001; gnomAD 0.00001.
gnomAD v4.1: 1 of 1,613,932 alleles (0.000062%); highest among the groups gnomAD compares: Non-Finnish European, 0.000085%; no homozygotes.

Submissions (3):

Labcorp Genetics (formerly Invitae), Labcorp
Classification: Likely pathogenic for Brachyolmia-amelogenesis imperfecta syndrome. Last evaluated: 2023-02-17. Review status: criteria provided, single submitter. Criteria: Invitae Variant Classification Sherloc (09022015). Collection method: clinical testing. Allele origin: germline.
Comment: This variant has not been reported in the literature in individuals affected with LTBP3-related conditions. Algorithms developed to predict the effect of sequence changes on RNA splicing suggest that this variant may disrupt the consensus splice site. In summary, the currently available evidence indicates that the variant is pathogenic, but additional data are needed to prove that conclusively. Therefore, this variant has been classified as Likely Pathogenic. This variant is present in population databases (rs766900840, gnomAD 0.0009%). This sequence change affects a donor splice site in intron 5 of the LTBP3 gene. It is expected to disrupt RNA splicing. Variants that disrupt the donor or acceptor splice site typically lead to a loss of protein function (PMID: 16199547), and loss-of-function variants in LTBP3 are known to be pathogenic (PMID: 11790802, 19344874, 25669657).

Blueprint Genetics
Classification: Likely pathogenic for LTBP3-related disorders. Last evaluated: 2022-01-27. Review status: criteria provided, single submitter. Criteria: ACMG Guidelines, 2015. Collection method: clinical testing. Allele origin: germline. Affected: yes. Observed: 1 variant allele.

Dr. Peter K. Rogan Lab, Western University
No classification provided (evidence only). Condition: Gastric cancer. Review status: no classification provided. Collection method: in vitro. Allele origin: not applicable. Functional consequence: retained intron. Not counted in ClinVar's aggregate classification.

Literature cited by the submitters: PubMed 16199547 (cited by Labcorp Genetics (formerly Invitae), Labcorp); PubMed 11790802 (cited by Labcorp Genetics (formerly Invitae), Labcorp); PubMed 19344874 (cited by Labcorp Genetics (formerly Invitae), Labcorp); PubMed 25669657 (cited by Labcorp Genetics (formerly Invitae), Labcorp).